The following is an entry in ClinVar:

NC_000018.9:g.(?_3168795)_(3174226_?)del

Gene: MYOM1 (myomesin 1; minus strand). Cytogenetic location: 18p11.31.
Variant type: Deletion.
Identifiers: ClinVar variation 2424762 (VCV002424762.2).

ClinVar aggregate classification (germline): Uncertain significance (1 of 4 stars; one submission).

Conditions:
Hypertrophic cardiomyopathy. Also called: HYPERTROPHIC MYOCARDIOPATHY. Identifiers: Orphanet 217569, MedGen C0007194, MeSH D002312, MONDO:0005045, HP:0001639.

Submission:

Labcorp Genetics (formerly Invitae), Labcorp
Classification: Uncertain significance for Hypertrophic cardiomyopathy. Last evaluated: 2023-09-05. Review status: criteria provided, single submitter. Criteria: Invitae Variant Classification Sherloc (09022015). Collection method: clinical testing. Allele origin: germline.
Comment: This variant is a gross deletion of the genomic region encompassing exon(s) 7-9 of the MYOM1 gene. This deletion is out-of-frame, and is expected to create a premature translational stop signal and result in an absent or disrupted protein product. However, the current clinical and genetic evidence is not sufficient to establish whether loss-of-function variants in MYOM1 cause disease. This variant has not been reported in the literature in individuals affected with MYOM1-related conditions. In summary, the available evidence is currently insufficient to determine the role of this variant in disease. Therefore, it has been classified as a Variant of Uncertain Significance.